The following is an entry in ClinVar:

ClinVar aggregate classification (germline): Uncertain significance (1 of 4 stars; one submission).

Submission:

Ambry Genetics
Classification: Uncertain significance. Last evaluated: 2021-08-25. Review status: criteria provided, single submitter. Criteria: Ambry Variant Classification Scheme 2023. Collection method: clinical testing. Allele origin: germline.
Comment: The p.S868F variant (also known as c.2603C>T), located in coding exon 24 of the KIF1B gene, results from a C to T substitution at nucleotide position 2603. The serine at codon 868 is replaced by phenylalanine, an amino acid with highly dissimilar properties. This amino acid position is highly conserved in available vertebrate species. In addition, the in silico prediction for this alteration is inconclusive. Since supporting evidence is limited at this time, the clinical significance of this alteration remains unclear.

NM_001365951.3(KIF1B):c.2741C>T (p.Ser914Phe)

Genes: KIF1B (kinesin family member 1B; plus strand), LOC126805614 (BRD4-independent group 4 enhancer GRCh37_chr1:10385546-10386745; plus strand). Cytogenetic location: 1p36.22.
Variant type: single nucleotide variant.
Coding change: c.2741C>T on transcript NM_001365951.3 (MANE Select); coding-DNA position 2741, C replaced by T.
Protein change: p.Ser914Phe; replaces serine 914 with phenylalanine.
Molecular consequence: missense variant.
Genome position (GRCh38, 1-based): chr1:10,326,176, C>T. VCF-style: chr1-10326176-C-T. GRCh37 (hg19) VCF-style: chr1-10386234-C-T.
Other names: c.2741C>T, p.Ser914Phe (NM_001365952.1); c.2603C>T, p.Ser868Phe (NM_015074.3); short protein forms S868F, S914F.
Identifiers: ClinVar variation 1793702 (VCV001793702.2), dbSNP rs2521639291, ClinGen allele CA338336972.
Genomic context (GRCh38, chr1:10,326,176, plus strand): 5'-CCATTTTCCACGGCTGTGTGAACGAGCGCCTTGCCGACCGCACACCCTCCCCCACTTTTT[C>T]CACGGCCGATTCCGACATCACTGAGCTGGCTGACGAGCAGCAAGATGAGATGGAGGATTT-3'
Protein context (NP_001352880.1, residues 904-924): LADRTPSPTF[Ser914Phe]TADSDITELA